The following is an entry in ClinVar:

ClinVar aggregate classification (germline): Conflicting classifications of pathogenicity. Review status: criteria provided, conflicting classifications (1 of 4 stars). 7 submissions from 7 submitters: Uncertain significance (4); Benign (1); Likely benign (1). 1 of the submissions does not count toward it. Last evaluated 2026-06-20.

Conditions:
OTOF-related disorder. Also called: OTOF-related condition.
Autosomal recessive nonsyndromic hearing loss 9. Also called: OTOF-Related Hearing Loss; Deafness, autosomal recessive 9; NEUROSENSORY NONSYNDROMIC RECESSIVE DEAFNESS 9; AUDITORY NEUROPATHY, AUTOSOMAL RECESSIVE, 1, TEMPERATURE-SENSITIVE. Identifiers: Orphanet 90636, MedGen C1832828, MONDO:0010986, OMIM 601071.

Allele frequency attached by ClinVar (database versions not stated): ESP Exome Variant Server 0.00008; gnomAD 0.00014 and 0.00015; TOPMed 0.00020; ExAC 0.00023; gnomAD exomes 0.00029.

Submissions (7):

GeneDx
Classification: Uncertain significance. Last evaluated: 2026-06-20. Review status: criteria provided, single submitter. Criteria: GeneDx Variant Classification Process June 2021. Collection method: clinical testing. Allele origin: germline.
Comment: Identified in a patient with hearing loss and reported as a "non-pathogenic variant" in published literature (PMID: 24814232); In silico analysis suggests that this missense variant does not alter protein structure/function; This variant is associated with the following publications: (PMID: 24814232)

Labcorp Genetics (formerly Invitae), Labcorp
Classification: Benign. Last evaluated: 2026-01-13. Review status: criteria provided, single submitter. Criteria: Invitae Variant Classification Sherloc (09022015). Collection method: clinical testing. Allele origin: germline.

Blueprint Genetics
Classification: Uncertain significance. Last evaluated: 2024-10-11. Review status: criteria provided, single submitter. Criteria: ACMG Guidelines, 2015. Collection method: clinical testing. Allele origin: germline.

Laboratory for Molecular Medicine, Mass General Brigham Personalized Medicine
Classification: Likely benign. Last evaluated: 2018-01-25. Review status: criteria provided, single submitter. Criteria: LMM Criteria. Collection method: clinical testing. Allele origin: germline. Observed: 2 variant alleles.
Comment: p.Thr149Met in exon 5A of OTOF: This variant is not expected to have clinical si gnificance because it has also been identified in 0.34% (35/10152) of Ashkenazi Jewish chromosomes by the Genome Aggregation Database (gnomAD; dbSNP rs140454738). ACMG/AMP criteria applied: BS1; BP5; PP3.

Illumina Laboratory Services, Illumina
Classification: Uncertain significance for Autosomal recessive nonsyndromic hearing loss 9. Last evaluated: 2017-04-27. Review status: criteria provided, single submitter. Criteria: ICSL Variant Classification Criteria 13 December 2019. Collection method: clinical testing. Allele origin: germline.

Eurofins Ntd Llc (ga)
Classification: Uncertain significance. Last evaluated: 2014-12-09. Review status: criteria provided, single submitter. Criteria: EGL Classification Definitions 2015. Collection method: clinical testing. Allele origin: germline. Observed: 1 variant allele, 1 heterozygote.

PreventionGenetics, part of Exact Sciences
Classification: Likely benign for OTOF-related condition. Last evaluated: 2020-05-21. Review status: no assertion criteria provided. Collection method: clinical testing. Allele origin: germline. Not counted in ClinVar's aggregate classification.
Comment: This variant is classified as likely benign based on ACMG/AMP sequence variant interpretation guidelines (Richards et al. 2015 PMID: 25741868, with internal and published modifications).

NM_194248.3(OTOF):c.446C>T (p.Thr149Met)

Gene: OTOF (otoferlin; minus strand). Cytogenetic location: 2p23.3.
Variant type: single nucleotide variant.
Coding change: c.446C>T on transcript NM_194248.3 (MANE Select); coding-DNA position 446, C replaced by T.
Protein change: p.Thr149Met; replaces threonine 149 with methionine.
Molecular consequence: missense variant.
Genome position (GRCh38, 1-based): chr2:26,516,481, G>A on the plus strand (C>T on the coding strand, the complement: OTOF is on the minus strand). VCF-style: chr2-26516481-G-A. GRCh37 (hg19) VCF-style: chr2-26739349-G-A.
Other names: c.446C>T, p.Thr149Met (NM_001287489.2); short protein forms T149M.
Identifiers: ClinVar variation 48236 (VCV000048236.21), dbSNP rs140454738, ClinGen allele CA142890.